The following is an entry in ClinVar:

ClinVar aggregate classification (germline): Uncertain significance. Review status: criteria provided, multiple submitters, no conflicts (2 of 4 stars). 2 submissions from 2 submitters: Uncertain significance (2). Last evaluated 2022-10-17.

Conditions:
Spondylocarpotarsal synostosis syndrome (SCT). Also called: SPONDYLOCARPOTARSAL SYNDROME; VERTEBRAL FUSION WITH CARPAL COALITION; Synspondylism congenital; Scoliosis, congenital with unilateral unsegmented bar; Spondylocarpotarsal Synostosis Syndrome (FLNB-SCT). Identifiers: Orphanet 3275, MedGen C1848934, MONDO:0010094, OMIM 272460.
Atelosteogenesis type III. Also called: Atelosteogenesis Type 3 (FLNB-AO3). Identifiers: Orphanet 56305, MedGen C3668942, MONDO:0007168, OMIM 108721.
Boomerang dysplasia. Identifiers: Orphanet 1263, MedGen C0432201, MONDO:0007208, OMIM 112310.
Larsen syndrome (LRS). Also called: Bilateral dislocation of the knees, pes cavus, cylindrically shaped fingers and characteristic facies; Larsen syndrome (FLNB-LS). Identifiers: Orphanet 503, MedGen C0175778, MONDO:0007875, OMIM 150250. Disease mechanism: loss of function.
Atelosteogenesis type I. Also called: GIANT CELL CHONDRODYSPLASIA; SPONDYLOHUMEROFEMORAL HYPOPLASIA; Atelosteogenesis Type 1 (FLNB-AO1). Identifiers: Orphanet 1190, MedGen C0265283, MONDO:0007167, OMIM 108720.

Submissions (2):

Labcorp Genetics (formerly Invitae), Labcorp
Classification: Uncertain significance. Last evaluated: 2022-10-17. Review status: criteria provided, single submitter. Criteria: Invitae Variant Classification Sherloc (09022015). Collection method: clinical testing. Allele origin: germline.
Comment: This variant has not been reported in the literature in individuals affected with FLNB-related conditions. In summary, the available evidence is currently insufficient to determine the role of this variant in disease. Therefore, it has been classified as a Variant of Uncertain Significance. Experimental studies and prediction algorithms are not available or were not evaluated, and the functional significance of this variant is currently unknown. This variant is not present in population databases (gnomAD no frequency). This variant, c.6617_6619del, results in the deletion of 1 amino acid(s) of the FLNB protein (p.Gly2206del), but otherwise preserves the integrity of the reading frame.

Juno Genomics, Hangzhou Juno Genomics, Inc
Classification: Uncertain significance for Spondylocarpotarsal synostosis syndrome; Atelosteogenesis type I; Atelosteogenesis type III; Boomerang dysplasia; Larsen syndrome. Review status: criteria provided, single submitter. Criteria: ACMG Guidelines, 2015. Collection method: clinical testing. Allele origin: germline. Affected: yes.
Comment: Absent from controls (or at extremely low frequency if recessive) in Genome Aggregation Database.;Protein length changes due to in-frame deletions/insertions in a non-repeat region or stop-loss variants.

NM_001457.4(FLNB):c.6614GAG[1] (p.Gly2206del)

Gene: FLNB (filamin B; plus strand). Cytogenetic location: 3p14.3.
Variant type: Microsatellite.
Coding change: c.6614GAG[1] on transcript NM_001457.4 (MANE Select); one copy of the 3-base unit GAG starting at c.6614; the reference has two copies in a row; one copy, 3 bases deleted; also written c.6617_6619del.
Protein change: p.Gly2206del; deletes glycine 2206.
Molecular consequence: inframe deletion.
Genome position (GRCh38, 1-based): chr3:58,153,624-58,153,626, GAG deleted; deleting any 3 consecutive bases within chr3:58,153,621-58,153,626 gives the same sequence; the position shown is the placement nearest the transcript's 3' end. VCF-style (leftmost placement, unchanged base first): chr3-58153620-AGAG-A. GRCh37 (hg19) VCF-style: chr3-58139347-AGAG-A.
Other names: c.6707GAG[1], p.Gly2237del (NM_001164317.2); c.6581GAG[1], p.Gly2195del (NM_001164318.2); c.6542GAG[1], p.Gly2182del (NM_001164319.2); c.6617_6619del (NM_001457.4); short protein forms G2237del, G2182del, G2206del, G2195del.
Identifiers: ClinVar variation 2035940 (VCV002035940.5), dbSNP rs2471223892, ClinGen allele CA2580616493.